The following is an entry in ClinVar:

ClinVar aggregate classification (germline): Likely benign (1 of 4 stars; one submission).

Allele frequency attached by ClinVar (database versions not stated): TOPMed 0.00336; 1000 Genomes Project 30x 0.00359; gnomAD 0.00235 and 0.00241; 1000 Genomes Project 0.00319.

Submission:

CeGaT Center for Human Genetics Tuebingen
Classification: Likely benign. Last evaluated: 2026-09-01. Review status: criteria provided, single submitter. Criteria: CeGaT Center For Human Genetics Tuebingen Variant Classification Criteria Version 2. Collection method: clinical testing. Allele origin: germline. Affected: yes. Observed: 23 variant alleles.
Comment: BRD4: BS1

NM_001379291.1(BRD4):c.2159-1816C>T

Gene: BRD4 (bromodomain containing 4; minus strand). Cytogenetic location: 19p13.12.
Variant type: single nucleotide variant.
Coding change: c.2159-1816C>T on transcript NM_001379291.1 (MANE Select); 1816 bases into the intron before coding-DNA position 2159, C replaced by T.
Molecular consequence: intron variant.
Genome position (GRCh38, 1-based): chr19:15,246,578, G>A on the plus strand (C>T on the coding strand, the complement: BRD4 is on the minus strand). VCF-style: chr19-15246578-G-A. GRCh37 (hg19) VCF-style: chr19-15357389-G-A.
Other names: c.2159-1816C>T (NM_058243.3).
Identifiers: ClinVar variation 1701360 (VCV001701360.31), dbSNP rs146354910, ClinGen allele CA305793357.